The following is an entry in ClinVar:

ClinVar aggregate classification (germline): Benign/Likely benign. Review status: criteria provided, multiple submitters, no conflicts (2 of 4 stars). 11 submissions from 10 submitters: Benign (5); Likely benign (3). 3 of the submissions do not count toward it. Last evaluated 2026-01-20.

Conditions:
SETX-related disorder. Also called: SETX-related condition; SETX-related disorders. Identifiers: MedGen CN239403.
Amyotrophic lateral sclerosis type 4 (ALS4). Also called: NEURONOPATHY, DISTAL HEREDITARY MOTOR, WITH PYRAMIDAL FEATURES; AMYOTROPHIC LATERAL SCLEROSIS 4, JUVENILE. Identifiers: Orphanet 357043, MedGen C1865409, MONDO:0011223, OMIM 602433.
Spinocerebellar ataxia, autosomal recessive, with axonal neuropathy 2 (SCAN2). Also called: Ataxia-ocular apraxia-2; ATAXIA-OCULOMOTOR APRAXIA 2; Ataxia with Oculomotor Apraxia; Ataxia with Oculomotor Apraxia Type 2. Identifiers: Orphanet 64753, MedGen C1853761, MONDO:0018996, OMIM 606002.
Hereditary spastic paraplegia. Also called: Familial spastic paraparesis. Identifiers: Orphanet 685, MedGen C0037773, MONDO:0019064. Disease mechanism: loss of function.

Submissions (12):

Labcorp Genetics (formerly Invitae), Labcorp
Classification: Benign for Amyotrophic lateral sclerosis type 4; Spinocerebellar ataxia, autosomal recessive, with axonal neuropathy 2. Last evaluated: 2026-01-20. Review status: criteria provided, single submitter. Criteria: Invitae Variant Classification Sherloc (09022015). Collection method: clinical testing. Allele origin: germline.

ARUP Laboratories, Molecular Genetics and Genomics, ARUP Laboratories
Classification: Benign. Last evaluated: 2025-07-17. Review status: criteria provided, single submitter. Criteria: ARUP Molecular Germline Variant Investigation Process 2024. Collection method: clinical testing. Allele origin: germline.

Genome-Nilou Lab
Classification: Likely benign for Spinocerebellar ataxia, autosomal recessive, with axonal neuropathy 2. Last evaluated: 2023-02-08. Review status: criteria provided, single submitter. Criteria: ACMG Guidelines, 2015. Collection method: clinical testing. Allele origin: germline.

Genome-Nilou Lab
Classification: Benign for Amyotrophic lateral sclerosis type 4. Last evaluated: 2023-02-08. Review status: criteria provided, single submitter. Criteria: ACMG Guidelines, 2015. Collection method: clinical testing. Allele origin: germline.

GeneDx
Classification: Likely benign. Last evaluated: 2020-06-29. Review status: criteria provided, single submitter. Criteria: GeneDx Variant Classification Process June 2021. Collection method: clinical testing. Allele origin: germline. Affected: yes.

Genome Diagnostics Laboratory, The Hospital for Sick Children
Classification: Likely benign for Hereditary spastic paraplegia. Last evaluated: 2019-08-01. Review status: criteria provided, single submitter. Criteria: ACMG Guidelines, 2015. Collection method: clinical testing. Allele origin: germline. Affected: yes.

Athena Diagnostics
Classification: Benign. Last evaluated: 2018-09-25. Review status: criteria provided, single submitter. Criteria: Athena Diagnostics Criteria. Collection method: clinical testing. Allele origin: germline.

Mayo Clinic Laboratories, Mayo Clinic
Classification: Benign. Last evaluated: 2018-06-15. Review status: criteria provided, single submitter. Criteria: ACMG Guidelines, 2015. Collection method: clinical testing. Allele origin: germline. Observed: 6 variant alleles.

PreventionGenetics, part of Exact Sciences
Classification: Benign for SETX-related condition. Last evaluated: 2020-02-20. Review status: no assertion criteria provided. Collection method: clinical testing. Allele origin: germline. Not counted in ClinVar's aggregate classification.
Comment: This variant is classified as benign based on ACMG/AMP sequence variant interpretation guidelines (Richards et al. 2015 PMID: 25741868, with internal and published modifications).

Clinical Genetics DNA and cytogenetics Diagnostics Lab, Erasmus MC, Erasmus Medical Center
Classification: Benign. Review status: no assertion criteria provided. Collection method: clinical testing. Allele origin: germline. Affected: yes. Study: VKGL Data-share Consensus. Not counted in ClinVar's aggregate classification.

Dr. Peter K. Rogan Lab, Western University
No classification provided (evidence only). Condition: Gastric cancer. Review status: no classification provided. Collection method: in vitro. Allele origin: not applicable. Functional consequence: retained intron. Not counted in ClinVar's aggregate classification.

Genome Diagnostics Laboratory, Amsterdam University Medical Center
Classification: Likely benign. Review status: no assertion criteria provided. Collection method: clinical testing. Allele origin: germline. Affected: yes. Study: VKGL Data-share Consensus. Not counted in ClinVar's aggregate classification.

NM_015046.7(SETX):c.5375-18CTT[2]

Gene: SETX (senataxin; minus strand). Cytogenetic location: 9q34.13.
Variant type: Microsatellite.
Coding change: c.5375-18CTT[2] on transcript NM_015046.7 (MANE Select); two copies in a row of the 3-base unit CTT starting at c.5375-18; the reference has three copies in a row; one copy, 3 bases deleted.
Molecular consequence: intron variant.
Genome position (GRCh38, 1-based): chr9:132,300,813-132,300,815, AAG deleted on the plus strand (CTT on the coding strand, the reverse complement: SETX is on the minus strand); deleting any 3 consecutive bases within chr9:132,300,813-132,300,821 gives the same sequence; the position shown is the placement nearest the transcript's 3' end. VCF-style (leftmost placement, unchanged base first): chr9-132300812-CAAG-C. GRCh37 (hg19) VCF-style: chr9-135176199-CAAG-C.
Other names: NC_000009.11:g.135176206_135176208del; p.?; c.5375-12_5375-10del (NM_015046.5, NM_015046.7); c.5375-18_5375-16del (NM_015046.7); c.5375-18CTT[2] (NM_001351528.2, NM_001351527.2).
Identifiers: ClinVar variation 468517 (VCV000468517.70), dbSNP rs201317659, ClinGen allele CA5296983.
Genomic context (GRCh38, chr9:132,300,812, plus strand): 5'-TCGTTTTCCTTTGGATAAAGCTGTTTAGCCAGTTCACATTCTTCCAGATAAACTATGAAA[CAAG>C]AAGAAGTCGGAATTCATATAACTCTAATAGAATTATTTTAAATAAGATTAACTTAAAAGA-3'